The following is an entry in ClinVar:

ClinVar aggregate classification (germline): Likely benign (1 of 4 stars; one submission).

Conditions:
Ichthyosis bullosa of Siemens (IBS). Also called: Superficial epidermolytic ichthyosis. Identifiers: Orphanet 455, MedGen C0432306, MONDO:0007813, OMIM 146800.

Allele frequency attached by ClinVar (database versions not stated): gnomAD exomes below 0.00001 and 0.00007; ExAC 0.00002; TOPMed 0.00004; gnomAD 0.00005; ESP Exome Variant Server 0.00008.
gnomAD v4.1: 113 of 1,614,024 alleles (0.007%); highest among the groups gnomAD compares: Non-Finnish European, 0.0093%; no homozygotes.

Submission:

Illumina Laboratory Services, Illumina
Classification: Likely benign for Ichthyosis bullosa of Siemens. Last evaluated: 2018-01-13. Review status: criteria provided, single submitter. Criteria: ICSL Variant Classification Criteria 13 December 2019. Collection method: clinical testing. Allele origin: germline.
Comment: This variant was observed in the ICSL laboratory as part of a predisposition screen in an ostensibly healthy population. It had not been previously curated by ICSL or reported in the Human Gene Mutation Database (HGMD: prior to June 1st, 2018), and was therefore a candidate for classification through an automated scoring system. Utilizing variant allele frequency, disease prevalence and penetrance estimates, and inheritance mode, an automated score was calculated to assess if this variant is too frequent to cause the disease. Based on the score and internal cut-off values, a variant classified as likely benign is not then subjected to further curation. The score for this variant resulted in a classification of likely benign for this disease.

NM_000423.3(KRT2):c.546C>A (p.Ile182=)

Gene: KRT2 (keratin 2; minus strand). Cytogenetic location: 12q13.13.
Variant type: single nucleotide variant.
Coding change: c.546C>A on transcript NM_000423.3 (MANE Select); coding-DNA position 546, C replaced by A.
Protein change: p.Ile182=; no amino-acid change (isoleucine 182 retained).
Molecular consequence: synonymous variant.
Genome position (GRCh38, 1-based): chr12:52,651,597, G>T on the plus strand (C>A on the coding strand, the complement: KRT2 is on the minus strand). VCF-style: chr12-52651597-G-T. GRCh37 (hg19) VCF-style: chr12-53045381-G-T.
Identifiers: ClinVar variation 883366 (VCV000883366.4), dbSNP rs371939083, ClinGen allele CA6585818.